The following is an entry in ClinVar:

NM_020312.4(COQ9):c.841A>G (p.Met281Val)

Gene: COQ9 (coenzyme Q9; plus strand). Cytogenetic location: 16q21.
Variant type: single nucleotide variant.
Coding change: c.841A>G on transcript NM_020312.4 (MANE Select); coding-DNA position 841, A replaced by G.
Protein change: p.Met281Val; replaces methionine 281 with valine.
Molecular consequence: missense variant.
Genome position (GRCh38, 1-based): chr16:57,459,694, A>G. VCF-style: chr16-57459694-A-G. GRCh37 (hg19) VCF-style: chr16-57493606-A-G.
Other names: short protein forms M281V.
Identifiers: ClinVar variation 376877 (VCV000376877.9), dbSNP rs552465571, ClinGen allele CA8076355.

ClinVar aggregate classification (germline): Uncertain significance. Review status: criteria provided, multiple submitters, no conflicts (2 of 4 stars). 2 submissions from 2 submitters: Uncertain significance (2). Last evaluated 2024-12-17.

Allele frequency attached by ClinVar (database versions not stated): ExAC 0.00006; gnomAD exomes 0.00009 and 0.00018; gnomAD 0.00055 and 0.00056; TOPMed 0.00055.
gnomAD v4.1: 210 of 1,614,048 alleles (0.013%); highest among the groups gnomAD compares: Admixed American, 0.17%; no homozygotes.

Submissions (2):

Labcorp Genetics (formerly Invitae), Labcorp
Classification: Uncertain significance. Last evaluated: 2024-12-17. Review status: criteria provided, single submitter. Criteria: Invitae Variant Classification Sherloc (09022015). Collection method: clinical testing. Allele origin: germline.
Comment: This sequence change replaces methionine, which is neutral and non-polar, with valine, which is neutral and non-polar, at codon 281 of the COQ9 protein (p.Met281Val). This variant is present in population databases (rs552465571, gnomAD 0.08%). This variant has not been reported in the literature in individuals affected with COQ9-related conditions. ClinVar contains an entry for this variant (Variation ID: 376877). An algorithm developed to predict the effect of missense changes on protein structure and function (PolyPhen-2) suggests that this variant¬†is likely to be tolerated. In summary, the available evidence is currently insufficient to determine the role of this variant in disease. Therefore, it has been classified as a Variant of Uncertain Significance.

Center for Pediatric Genomic Medicine, Children's Mercy Hospital and Clinics
Classification: Uncertain significance. Last evaluated: 2016-06-30. Review status: criteria provided, single submitter. Criteria: ACMG Guidelines, 2015. Collection method: clinical testing. Allele origin: germline.
ClinVar note: Converted during submission from Uncertain Significance to Uncertain significance.